The following is an entry in ClinVar:

ClinVar aggregate classification (germline): Uncertain significance. Review status: criteria provided, multiple submitters, no conflicts (2 of 4 stars). 2 submissions from 2 submitters: Uncertain significance (2). Last evaluated 2026-01-13.

Conditions:
Hereditary cancer-predisposing syndrome. Also called: Hereditary neoplastic syndrome; Neoplastic Syndromes, Hereditary; Hereditary Cancer Syndrome; Tumor predisposition. Identifiers: Orphanet 140162, MedGen C0027672, MeSH D009386, MONDO:0015356.
DICER1-related tumor predisposition. Also called: DICER1 syndrome; DICER1-related pleuropulmonary blastoma cancer predisposition syndrome. Identifiers: Orphanet 284343, MedGen C3839822, MONDO:0100216.

Allele frequency attached by ClinVar (database versions not stated): gnomAD exomes below 0.00001.
gnomAD v4.1: 1 of 1,614,252 alleles (0.000062%); highest among the groups gnomAD compares: Non-Finnish European, 0.000085%; no homozygotes.

Submissions (2):

Labcorp Genetics (formerly Invitae), Labcorp
Classification: Uncertain significance for DICER1-related tumor predisposition. Last evaluated: 2026-01-13. Review status: criteria provided, single submitter. Criteria: Invitae Variant Classification Sherloc (09022015). Collection method: clinical testing. Allele origin: germline.
Comment: This sequence change replaces leucine, which is neutral and non-polar, with serine, which is neutral and polar, at codon 1222 of the DICER1 protein (p.Leu1222Ser). This variant is not present in population databases (gnomAD no frequency). This variant has not been reported in the literature in individuals affected with DICER1-related conditions. ClinVar contains an entry for this variant (Variation ID: 1394234). Invitae Evidence Modeling of protein sequence and biophysical properties (such as structural, functional, and spatial information, amino acid conservation, physicochemical variation, residue mobility, and thermodynamic stability) indicates that this missense variant is not expected to disrupt DICER1 protein function with a negative predictive value of 95%. In summary, the available evidence is currently insufficient to determine the role of this variant in disease. Therefore, it has been classified as a Variant of Uncertain Significance.

Ambry Genetics
Classification: Uncertain significance for Hereditary cancer-predisposing syndrome. Last evaluated: 2024-06-24. Review status: criteria provided, single submitter. Criteria: Ambry Variant Classification Scheme 2023. Collection method: clinical testing. Allele origin: germline.
Comment: The p.L1222S variant (also known as c.3665T>C), located in coding exon 20 of the DICER1 gene, results from a T to C substitution at nucleotide position 3665. The leucine at codon 1222 is replaced by serine, an amino acid with dissimilar properties. This amino acid position is well conserved in available vertebrate species. In addition, this alteration is predicted to be tolerated by in silico analysis. Based on the available evidence, the clinical significance of this variant remains unclear.

NM_177438.3(DICER1):c.3665T>C (p.Leu1222Ser)

Gene: DICER1 (dicer 1, ribonuclease III; minus strand). Cytogenetic location: 14q32.13.
Variant type: single nucleotide variant.
Coding change: c.3665T>C on transcript NM_177438.3 (MANE Select); coding-DNA position 3665, T replaced by C.
Protein change: p.Leu1222Ser; replaces leucine 1222 with serine.
Molecular consequence: missense variant.
Genome position (GRCh38, 1-based): chr14:95,103,731, A>G on the plus strand (T>C on the coding strand, the complement: DICER1 is on the minus strand). VCF-style: chr14-95103731-A-G. GRCh37 (hg19) VCF-style: chr14-95570068-A-G.
Other names: c.3665T>C, p.Leu1222Ser (NM_001195573.1, NM_001271282.3, NM_001291628.2 and 1 more transcripts); short protein forms L1222S.
Identifiers: ClinVar variation 1394234 (VCV001394234.12), dbSNP rs2139962955, ClinGen allele CA390874462.